The following is an entry in ClinVar:

NM_001267550.2(TTN):c.75192T>C (p.Thr25064=)

Genes: TTN (titin; minus strand), TTN-AS1 (TTN antisense RNA 1; plus strand). Cytogenetic location: 2q31.2.
Variant type: single nucleotide variant.
Coding change: c.75192T>C on transcript NM_001267550.2 (MANE Select); coding-DNA position 75192, T replaced by C.
Protein change: p.Thr25064=; no amino-acid change (threonine 25064 retained).
Molecular consequence: synonymous variant.
Genome position (GRCh38, 1-based): chr2:178,570,940, A>G on the plus strand (T>C on the coding strand, the complement: TTN is on the minus strand). VCF-style: chr2-178570940-A-G. GRCh37 (hg19) VCF-style: chr2-179435667-A-G.
Other names: c.70269T>C, p.Thr23423= (NM_001256850.1); c.47997T>C, p.Thr15999= (NM_003319.4); c.67488T>C, p.Thr22496= (NM_133378.4); c.48372T>C, p.Thr16124= (NM_133432.3); c.48573T>C, p.Thr16191= (NM_133437.4).
Identifiers: ClinVar variation 263537 (VCV000263537.21), dbSNP rs370480927, ClinGen allele CA1990090.

ClinVar aggregate classification (germline): Conflicting classifications of pathogenicity. Review status: criteria provided, conflicting classifications (1 of 4 stars). 11 submissions from 7 submitters: Uncertain significance (3); Benign (4); Likely benign (4). Last evaluated 2026-01-31.

Conditions:
Dilated cardiomyopathy 1G (CMD1G). Identifiers: Orphanet 154, MedGen C1858763, MONDO:0011400, OMIM 604145.
Autosomal recessive limb-girdle muscular dystrophy type 2J (LGMDR10). Also called: Limb-girdle muscular dystrophy, type 2J; MUSCULAR DYSTROPHY, LIMB-GIRDLE, AUTOSOMAL RECESSIVE 10. Identifiers: Orphanet 140922, MedGen C1837342, MONDO:0012127, OMIM 608807.
Cardiovascular phenotype. Identifiers: MedGen CN230736.
Myopathy, myofibrillar, 9, with early respiratory failure (MFM9). Also called: Myopathy, distal, with early respiratory failure, autosomal dominant; EDSTROM MYOPATHY; MYOPATHY, PROXIMAL, WITH EARLY RESPIRATORY MUSCLE INVOLVEMENT; Hereditary myopathy with early respiratory failure. Identifiers: Orphanet 178464, Orphanet 34521, MedGen C1863599, MONDO:0011362, OMIM 603689.
Early-onset myopathy with fatal cardiomyopathy (CMYO5). Also called: CONGENITAL MYOPATHY 5 WITH CARDIOMYOPATHY; Salih Myopathy. Identifiers: Orphanet 289377, MedGen C2673677, MONDO:0012714, OMIM 611705. Disease mechanism: loss of function.
Tibial muscular dystrophy (TMD). Also called: Udd Distal Myopathy – Tibial Muscular Dystrophy; UDD MYOPATHY; Tibial muscular dystrophy, tardive. Identifiers: Orphanet 609, MedGen C1838244, MONDO:0010870, OMIM 600334.

Allele frequency attached by ClinVar (database versions not stated): gnomAD exomes 0.00006 and 0.00017; ExAC 0.00022; 1000 Genomes Project 0.00060; gnomAD 0.00061 and 0.00066; 1000 Genomes Project 30x 0.00062; TOPMed 0.00079; ESP Exome Variant Server 0.00118.
gnomAD v4.1: 188 of 1,613,522 alleles (0.012%); highest among the groups gnomAD compares: African/African-American, 0.23%; 1 homozygote.

Submissions (11):

Labcorp Genetics (formerly Invitae), Labcorp
Classification: Benign for Dilated cardiomyopathy 1G; Autosomal recessive limb-girdle muscular dystrophy type 2J. Last evaluated: 2026-01-31. Review status: criteria provided, single submitter. Criteria: Invitae Variant Classification Sherloc (09022015). Collection method: clinical testing. Allele origin: germline.

Molecular Diagnostic Laboratory for Inherited Cardiovascular Disease, Montreal Heart Institute
Classification: Likely benign. Last evaluated: 2025-04-09. Review status: criteria provided, single submitter. Criteria: ACMG Guidelines, 2015. Collection method: clinical testing. Allele origin: germline. Affected: no.

Blueprint Genetics
Classification: Likely benign. Last evaluated: 2024-10-28. Review status: criteria provided, single submitter. Criteria: ACMG Guidelines, 2015. Collection method: clinical testing. Allele origin: germline.

GeneDx
Classification: Likely benign. Last evaluated: 2020-02-10. Review status: criteria provided, single submitter. Criteria: GeneDx Variant Classification Process June 2021. Collection method: clinical testing. Allele origin: germline. Affected: yes.

Athena Diagnostics
Classification: Benign. Last evaluated: 2019-11-08. Review status: criteria provided, single submitter. Criteria: Athena Diagnostics Criteria. Collection method: clinical testing. Allele origin: unknown.

Illumina Laboratory Services, Illumina
Classification: Uncertain significance for Early-onset myopathy with fatal cardiomyopathy. Last evaluated: 2018-01-12. Review status: criteria provided, single submitter. Criteria: ICSL Variant Classification Criteria 13 December 2019. Collection method: clinical testing. Allele origin: germline.

Illumina Laboratory Services, Illumina
Classification: Uncertain significance for Dilated cardiomyopathy 1G. Last evaluated: 2018-01-12. Review status: criteria provided, single submitter. Criteria: ICSL Variant Classification Criteria 13 December 2019. Collection method: clinical testing. Allele origin: germline.

Illumina Laboratory Services, Illumina
Classification: Benign for Myopathy, myofibrillar, 9, with early respiratory failure. Last evaluated: 2018-01-12. Review status: criteria provided, single submitter. Criteria: ICSL Variant Classification Criteria 13 December 2019. Collection method: clinical testing. Allele origin: germline.
Comment: This variant was observed in the ICSL laboratory as part of a predisposition screen in an ostensibly healthy population. It had not been previously curated by ICSL or reported in the Human Gene Mutation Database (HGMD: prior to June 1st, 2018), and was therefore a candidate for classification through an automated scoring system. Utilizing variant allele frequency, disease prevalence and penetrance estimates, and inheritance mode, an automated score was calculated to assess if this variant is too frequent to cause the disease. Based on the score and internal cut-off values, a variant classified as benign is not then subjected to further curation. The score for this variant resulted in a classification of benign for this disease.

Illumina Laboratory Services, Illumina
Classification: Uncertain significance for Autosomal recessive limb-girdle muscular dystrophy type 2J. Last evaluated: 2018-01-12. Review status: criteria provided, single submitter. Criteria: ICSL Variant Classification Criteria 13 December 2019. Collection method: clinical testing. Allele origin: germline.

Illumina Laboratory Services, Illumina
Classification: Benign for Tibial muscular dystrophy. Last evaluated: 2018-01-12. Review status: criteria provided, single submitter. Criteria: ICSL Variant Classification Criteria 13 December 2019. Collection method: clinical testing. Allele origin: germline.
Comment: the same text as in the submission from Illumina Laboratory Services, Illumina above.

Ambry Genetics
Classification: Likely benign for Cardiovascular phenotype. Last evaluated: 2013-02-26. Review status: criteria provided, single submitter. Criteria: Ambry Autosomal Dominant and X-Linked criteria (10/2015). Collection method: clinical testing. Allele origin: germline. Observed: 1 variant allele.